The following is an entry in ClinVar:

NM_014009.4(FOXP3):c.302A>G (p.His101Arg)

Gene: FOXP3 (forkhead box P3; minus strand). Cytogenetic location: Xp11.23.
Variant type: single nucleotide variant.
Coding change: c.302A>G on transcript NM_014009.4 (MANE Select); coding-DNA position 302, A replaced by G.
Protein change: p.His101Arg; replaces histidine 101 with arginine.
Molecular consequence: missense variant. On other transcripts: intron variant (1).
Genome position (GRCh38, 1-based): chrX:49,257,677, T>C on the plus strand (A>G on the coding strand, the complement: FOXP3 is on the minus strand). VCF-style: chrX-49257677-T-C. GRCh37 (hg19) VCF-style: chrX-49114134-T-C.
Other names: c.211-112A>G (NM_001114377.2); short protein forms H101R.
Identifiers: ClinVar variation 2546782 (VCV002546782.3), dbSNP rs1557116600, ClinGen allele CA412953334.

ClinVar aggregate classification (germline): Uncertain significance. Review status: criteria provided, multiple submitters, no conflicts (2 of 4 stars). 2 submissions from 2 submitters: Uncertain significance (2). Last evaluated 2025-12-31.

Conditions:
Inborn genetic diseases. Identifiers: MedGen C0950123, MeSH D030342.
Insulin-dependent diabetes mellitus secretory diarrhea syndrome (IPEX). Also called: DIABETES MELLITUS, CONGENITAL INSULIN-DEPENDENT, WITH FATAL SECRETORY DIARRHEA; DIARRHEA, POLYENDOCRINOPATHY, FATAL INFECTION SYNDROME, X-LINKED; ENTEROPATHY, AUTOIMMUNE, WITH HEMOLYTIC ANEMIA AND POLYENDOCRINOPATHY; IMMUNODEFICIENCY, POLYENDOCRINOPATHY, AND ENTEROPATHY, X-LINKED; IPEX and IPEX-Like; Immunodeficiency, Polyendocrinopathy, and Enteropathy X-Linked Syndrome. Identifiers: Orphanet 37042, MedGen C0342288, MONDO:0010580, OMIM 304790. Disease mechanism: loss of function.

Allele frequency attached by ClinVar (database versions not stated): gnomAD exomes 0.00001.
gnomAD v4.1: 9 of 1,182,012 alleles (0.00076%); highest among the groups gnomAD compares: Non-Finnish European, 0.001%; no homozygotes.

Submissions (2):

Labcorp Genetics (formerly Invitae), Labcorp
Classification: Uncertain significance for Insulin-dependent diabetes mellitus secretory diarrhea syndrome. Last evaluated: 2025-12-31. Review status: criteria provided, single submitter. Criteria: Invitae Variant Classification Sherloc (09022015). Collection method: clinical testing. Allele origin: germline.
Comment: This sequence change replaces histidine, which is basic and polar, with arginine, which is basic and polar, at codon 101 of the FOXP3 protein (p.His101Arg). The frequency data for this variant in the population databases is considered unreliable, as metrics indicate poor data quality at this position in the gnomAD database. This variant has not been reported in the literature in individuals affected with FOXP3-related conditions. ClinVar contains an entry for this variant (Variation ID: 2546782). Invitae Evidence Modeling of protein sequence and biophysical properties (such as structural, functional, and spatial information, amino acid conservation, physicochemical variation, residue mobility, and thermodynamic stability) indicates that this missense variant is not expected to disrupt FOXP3 protein function with a negative predictive value of 80%. In summary, the available evidence is currently insufficient to determine the role of this variant in disease. Therefore, it has been classified as a Variant of Uncertain Significance.

Ambry Genetics
Classification: Uncertain significance for Inborn genetic diseases. Last evaluated: 2023-05-16. Review status: criteria provided, single submitter. Criteria: Ambry Variant Classification Scheme 2023. Collection method: clinical testing. Allele origin: germline.